The following is an entry in ClinVar:

NM_172107.4(KCNQ2):c.1420G>A (p.Glu474Lys)

Gene: KCNQ2 (potassium voltage-gated channel subfamily Q member 2; minus strand). Cytogenetic location: 20q13.33.
Variant type: single nucleotide variant.
Coding change: c.1420G>A on transcript NM_172107.4 (MANE Select); coding-DNA position 1420, G replaced by A.
Protein change: p.Glu474Lys; replaces glutamic acid 474 with lysine.
Molecular consequence: missense variant.
Genome position (GRCh38, 1-based): chr20:63,415,008, C>T on the plus strand (G>A on the coding strand, the complement: KCNQ2 is on the minus strand). VCF-style: chr20-63415008-C-T. GRCh37 (hg19) VCF-style: chr20-62046361-C-T.
Other names: c.1366G>A, p.Glu456Lys (NM_001382235.1, NM_172106.3); c.1336G>A, p.Glu446Lys (NM_004518.6); c.1330G>A, p.Glu444Lys (NM_172108.5); short protein forms E456K, E444K, E446K, E474K.
Identifiers: ClinVar variation 2721421 (VCV002721421.3), dbSNP rs368130496, ClinGen allele CA9958458.
Genomic context (GRCh38, chr20:63,415,008, plus strand): 5'-GGCGTGCCCGGCTGCGGTCCCCGAAGCTCCAGCTCTTGGGCACCTTGCTGGGGCTGTCCT[C>T]GAGGCTCTGGTCGGCGCTGGGTGACCGCCTCACAGTCTGGGCCTGCGGGGACCCCTTCCC-3'
Protein context (NP_742105.1, residues 464-484): RRSPSADQSL[Glu474Lys]DSPSKVPKSW

ClinVar aggregate classification (germline): Uncertain significance (1 of 4 stars; one submission).

Conditions:
Early-infantile DEE. Also called: Early infantile epileptic encephalopathy; Early infantile epileptic encephalopathy with suppression bursts; Ohtahara syndrome. Identifiers: Orphanet 1934, MedGen C0393706, MONDO:0800491.

Allele frequency attached by ClinVar (database versions not stated): gnomAD exomes below 0.00001; ExAC 0.00001; TOPMed below 0.00001; gnomAD 0.00001; ESP Exome Variant Server 0.00008.
gnomAD v4.1: 5 of 1,610,932 alleles (0.00031%); highest among the groups gnomAD compares: African/African-American, 0.0013%; no homozygotes.

Submission:

Labcorp Genetics (formerly Invitae), Labcorp
Classification: Uncertain significance for Early-infantile DEE. Last evaluated: 2024-06-15. Review status: criteria provided, single submitter. Criteria: Invitae Variant Classification Sherloc (09022015). Collection method: clinical testing. Allele origin: germline.
Comment: This sequence change replaces glutamic acid, which is acidic and polar, with lysine, which is basic and polar, at codon 474 of the KCNQ2 protein (p.Glu474Lys). This variant is present in population databases (rs368130496, gnomAD 0.01%). This variant has not been reported in the literature in individuals affected with KCNQ2-related conditions. An algorithm developed to predict the effect of missense changes on protein structure and function (PolyPhen-2) suggests that this variant is likely to be tolerated. In summary, the available evidence is currently insufficient to determine the role of this variant in disease. Therefore, it has been classified as a Variant of Uncertain Significance.